The following is an entry in ClinVar:

ClinVar aggregate classification (germline): Conflicting classifications of pathogenicity. Review status: criteria provided, conflicting classifications (1 of 4 stars). 4 submissions from 4 submitters: Uncertain significance (1); Likely benign (2). 1 of the submissions does not count toward it. Last evaluated 2024-03-07.

Conditions:
ADGRV1-related disorder. Also called: ADGRV1-related condition; ADGRV1-related disorders.

Allele frequency attached by ClinVar (database versions not stated): ExAC 0.00001; gnomAD exomes 0.00002 and 0.00005; TOPMed 0.00004; gnomAD 0.00005; ESP Exome Variant Server 0.00008.
gnomAD v4.1: 78 of 1,613,524 alleles (0.0048%); highest among the groups gnomAD compares: Non-Finnish European, 0.0064%; no homozygotes.

Submissions (4):

Labcorp Genetics (formerly Invitae), Labcorp
Classification: Likely benign. Last evaluated: 2024-03-07. Review status: criteria provided, single submitter. Criteria: Invitae Variant Classification Sherloc (09022015). Collection method: clinical testing. Allele origin: germline.

Blueprint Genetics
Classification: Likely benign. Last evaluated: 2022-08-04. Review status: criteria provided, single submitter. Criteria: ACMG Guidelines, 2015. Collection method: clinical testing. Allele origin: germline.

Eurofins Ntd Llc (ga)
Classification: Uncertain significance. Last evaluated: 2016-05-16. Review status: criteria provided, single submitter. Criteria: EGL Classification Definitions 2015. Collection method: clinical testing. Allele origin: germline. Observed: 1 variant allele, 1 heterozygote.

PreventionGenetics, part of Exact Sciences
Classification: Likely benign for ADGRV1-related condition. Last evaluated: 2019-09-18. Review status: no assertion criteria provided. Collection method: clinical testing. Allele origin: germline. Not counted in ClinVar's aggregate classification.
Comment: This variant is classified as likely benign based on ACMG/AMP sequence variant interpretation guidelines (Richards et al. 2015 PMID: 25741868, with internal and published modifications).

NM_032119.4(ADGRV1):c.11253C>T (p.Tyr3751=)

Gene: ADGRV1 (adhesion G protein-coupled receptor V1; plus strand). Cytogenetic location: 5q14.3.
Variant type: single nucleotide variant.
Coding change: c.11253C>T on transcript NM_032119.4 (MANE Select); coding-DNA position 11253, C replaced by T.
Protein change: p.Tyr3751=; no amino-acid change (tyrosine 3751 retained).
Molecular consequence: synonymous variant. On other transcripts: non-coding transcript variant (1).
Genome position (GRCh38, 1-based): chr5:90,753,705, C>T. VCF-style: chr5-90753705-C-T. GRCh37 (hg19) VCF-style: chr5-90049522-C-T.
Other names: c.11253C>T (NM_032119.3).
Identifiers: ClinVar variation 287645 (VCV000287645.15), dbSNP rs376689763, ClinGen allele CA3340932.